The following is an entry in ClinVar:

NM_001177316.2(SLC34A3):c.560+33T>G

Gene: SLC34A3 (solute carrier family 34 member 3; plus strand). Cytogenetic location: 9q34.3.
Variant type: single nucleotide variant.
Coding change: c.560+33T>G on transcript NM_001177316.2 (MANE Select); 33 bases into the intron after coding-DNA position 560, T replaced by G.
Molecular consequence: intron variant.
Genome position (GRCh38, 1-based): chr9:137,233,148, T>G. VCF-style: chr9-137233148-T-G. GRCh37 (hg19) VCF-style: chr9-140127600-T-G.
Other names: c.560+33T>G (NM_001177317.2, NM_080877.3).
Identifiers: ClinVar variation 4978787 (VCV004978787.1).

ClinVar aggregate classification (germline): Likely benign (1 of 4 stars; one submission).

Conditions:
SLC34A3-related disorder. Also called: SLC34A3-related condition.

Submission:

PreventionGenetics, part of Exact Sciences
Classification: Likely benign for SLC34A3-related condition. Last evaluated: 2024-12-04. Review status: criteria provided, single submitter. Criteria: ACMG Guidelines, 2015. Collection method: clinical testing. Allele origin: germline.
Comment: This variant is classified as likely benign based on ACMG/AMP sequence variant interpretation guidelines (Richards et al. 2015 PMID: 25741868, with internal and published modifications).